The following is an entry in ClinVar:

NM_001844.5(COL2A1):c.1527+135G>A

Gene: COL2A1 (collagen type II alpha 1 chain; minus strand). Cytogenetic location: 12q13.11.
Variant type: single nucleotide variant.
Coding change: c.1527+135G>A on transcript NM_001844.5 (MANE Select); 135 bases into the intron after coding-DNA position 1527, G replaced by A.
Molecular consequence: intron variant.
Genome position (GRCh38, 1-based): chr12:47,986,201, C>T on the plus strand (G>A on the coding strand, the complement: COL2A1 is on the minus strand). VCF-style: chr12-47986201-C-T. GRCh37 (hg19) VCF-style: chr12-48379984-C-T.
Other names: c.1320+135G>A (NM_033150.3).
Identifiers: ClinVar variation 812294 (VCV000812294.12), dbSNP rs1592218346, ClinGen allele CA915948787.

ClinVar aggregate classification (germline): Pathogenic/Likely pathogenic. Review status: criteria provided, multiple submitters, no conflicts (2 of 4 stars). 6 submissions from 6 submitters: Pathogenic (4); Likely pathogenic (1). 1 of the submissions does not count toward it. Last evaluated 2026-01-26.

Conditions:
COL2A1-related disorder. Also called: COL2A1-related condition; COL2A1-related disorders.
Stargardt disease (FFM). Also called: Stargardt's disease; Fundus flavimaculatus. Identifiers: Orphanet 827, MedGen C0271093, MONDO:0019353.
Stickler syndrome type 1 (STL1). Also called: COL2A1-Related Stickler Syndrome; ARTHROOPHTHALMOPATHY, HEREDITARY PROGRESSIVE; STICKLER SYNDROME, MEMBRANOUS VITREOUS TYPE; STICKLER SYNDROME, VITREOUS TYPE 1. Identifiers: Orphanet 828, Orphanet 90653, MedGen C2020284, MONDO:0007160, OMIM 108300.

gnomAD v4.1: 1 of 766,392 alleles (0.00013%); highest among the groups gnomAD compares: Non-Finnish European, 0.00023%; no homozygotes.

Submissions (6):

Medical and Scientific Branch, Hong Kong Genome Institute
Classification: Likely pathogenic for Stickler syndrome type 1. Last evaluated: 2026-01-26. Review status: criteria provided, single submitter. Criteria: ACMG Guidelines, 2015. Collection method: clinical testing. Allele origin: maternal. Affected: yes.

Labcorp Genetics (formerly Invitae), Labcorp
Classification: Pathogenic. Last evaluated: 2024-12-18. Review status: criteria provided, single submitter. Criteria: Invitae Variant Classification Sherloc (09022015). Collection method: clinical testing. Allele origin: germline.
Comment: This sequence change falls in intron 23 of the COL2A1 gene. It does not directly change the encoded amino acid sequence of the COL2A1 protein. RNA analysis indicates that this variant induces altered splicing and may result in an absent or altered protein product. This variant is not present in population databases (gnomAD no frequency). This variant has been observed in individuals with Stickler syndrome (PMID: 16752401, 20513134). It has also been observed to segregate with disease in related individuals. ClinVar contains an entry for this variant (Variation ID: 812294). Studies have shown that this variant results in altered splicing, and produces a non-functional protein and/or introduces a premature termination codon (PMID: 16752401). For these reasons, this variant has been classified as Pathogenic.

3billion
Classification: Pathogenic for Stickler syndrome type 1. Last evaluated: 2023-10-11. Review status: criteria provided, single submitter. Criteria: ACMG Guidelines, 2015. Collection method: clinical testing. Allele origin: germline. Affected: yes.
Comment: The variant is not observed in the gnomAD v2.1.1 dataset. Predicted Consequence/Location: Intron variant In silico tools predict the variant to alter splicing and produce an abnormal transcript [SpliceAI: 0.57 (>=0.2, moderate evidence for spliceogenicity)]. The variant has been observed in at least two similarly affected unrelated individuals (PMID: 16752401, 20513134, 33295219). The variant has been reported to co-segregate with the disease in at least 3 similarly affected relatives/individuals in the same family or similarly affected unrelated families (PMID: 33295219). The variant has been reported at least twice as pathogenic with clinical assertions and evidence for the classification (ClinVar ID: VCV000812294 /PMID: 16752401). Therefore, this variant is classified as Pathogenic according to the recommendation of ACMG/AMP guideline.

GeneDx
Classification: Pathogenic. Last evaluated: 2023-03-30. Review status: criteria provided, single submitter. Criteria: GeneDx Variant Classification Process June 2021. Collection method: clinical testing. Allele origin: germline. Affected: yes.
Comment: Identified in multiple individuals with Stickler syndrome referred for genetic testing at GeneDx and in published literature (Richards et al., 2006; Richards et al., 2010; Rossenwasser-Weiss et al., 2020); No data available in large population cohorts to assess the frequency of this variant in publicly available databases; however, Richards et al. (2006) reported that c.1527+135 G>A was not identified in over 100 control chromosomes; Predicted to create a cryptic splice acceptor site in intron 23; analysis of cDNA from fibroblasts of an individual with the c.1527+135 G>A variant demonstrated that use of the new splice acceptor site resulted in an aberrant transcript subject to nonsense-mediated mRNA decay (Richards et al., 2006); This variant is associated with the following publications: (PMID: 31456290, 20513134, 33295219, 16752401)

Blueprint Genetics
Classification: Pathogenic for COL2A1-related disorders. Last evaluated: 2022-06-13. Review status: criteria provided, single submitter. Criteria: ACMG Guidelines, 2015. Collection method: clinical testing. Allele origin: germline. Affected: yes. Observed: 5 variant alleles.

Sharon lab, Hadassah-Hebrew University Medical Center
Classification: Pathogenic for Stargardt disease. Last evaluated: 2019-06-23. Review status: no assertion criteria provided. Collection method: research. Allele origin: inherited. Affected: yes. Not counted in ClinVar's aggregate classification.

Literature cited by the submitters: PubMed 16752401 (cited by Labcorp Genetics (formerly Invitae), Labcorp and 3billion); PubMed 20513134 (cited by Labcorp Genetics (formerly Invitae), Labcorp and 3billion); PubMed 33295219 (cited by 3billion).